The following is an entry in ClinVar:

NM_004446.3(EPRS1):c.1126A>G (p.Thr376Ala)

Gene: EPRS1 (glutamyl-prolyl-tRNA synthetase 1; minus strand). Cytogenetic location: 1q41.
Variant type: single nucleotide variant.
Coding change: c.1126A>G on transcript NM_004446.3 (MANE Select); coding-DNA position 1126, A replaced by G.
Protein change: p.Thr376Ala; replaces threonine 376 with alanine.
Molecular consequence: missense variant.
Genome position (GRCh38, 1-based): chr1:220,020,211, T>C on the plus strand (A>G on the coding strand, the complement: EPRS1 is on the minus strand). VCF-style: chr1-220020211-T-C. GRCh37 (hg19) VCF-style: chr1-220193553-T-C.
Other names: short protein forms T376A.
Identifiers: ClinVar variation 1942687 (VCV001942687.5), dbSNP rs1294337553, ClinGen allele CA344627000.

ClinVar aggregate classification (germline): Uncertain significance (1 of 4 stars; one submission).

Allele frequency attached by ClinVar (database versions not stated): gnomAD exomes 0.00001.
gnomAD v4.1: 10 of 1,606,158 alleles (0.00062%); highest among the groups gnomAD compares: Non-Finnish European, 0.00085%; no homozygotes.

Submission:

Labcorp Genetics (formerly Invitae), Labcorp
Classification: Uncertain significance. Last evaluated: 2022-01-27. Review status: criteria provided, single submitter. Criteria: Invitae Variant Classification Sherloc (09022015). Collection method: clinical testing. Allele origin: germline.
Comment: In summary, the available evidence is currently insufficient to determine the role of this variant in disease. Therefore, it has been classified as a Variant of Uncertain Significance. Algorithms developed to predict the effect of sequence changes on RNA splicing suggest that this variant may create or strengthen a splice site. Algorithms developed to predict the effect of missense changes on protein structure and function are either unavailable or do not agree on the potential impact of this missense change (SIFT: "Deleterious"; PolyPhen-2: "Probably Damaging"; Align-GVGD: "Class C0"). This variant has not been reported in the literature in individuals affected with EPRS-related conditions. This variant is present in population databases (no rsID available, gnomAD 0.0009%). This sequence change replaces threonine, which is neutral and polar, with alanine, which is neutral and non-polar, at codon 376 of the EPRS protein (p.Thr376Ala).